The following is an entry in ClinVar:

ClinVar aggregate classification (germline): Benign/Likely benign. Review status: criteria provided, multiple submitters, no conflicts (2 of 4 stars). 2 submissions from 2 submitters: Benign (1); Likely benign (1). Last evaluated 2026-08-01.

Allele frequency attached by ClinVar (database versions not stated): 1000 Genomes Project 0.00499; 1000 Genomes Project 30x 0.00515; gnomAD 0.00728; ExAC 0.00771; TOPMed 0.00816; ESP Exome Variant Server 0.00915; gnomAD exomes 0.00941.
gnomAD v4.1: 14,849 of 1,608,548 alleles (0.92%); highest among the groups gnomAD compares: Non-Finnish European, 1.1%; 85 homozygotes.

Submissions (2):

CeGaT Center for Human Genetics Tuebingen
Classification: Benign. Last evaluated: 2026-08-01. Review status: criteria provided, single submitter. Criteria: CeGaT Center For Human Genetics Tuebingen Variant Classification Criteria Version 2. Collection method: clinical testing. Allele origin: germline. Affected: yes. Observed: 7 variant alleles.
Comment: MAN2B2: BP4, BS1, BS2

Women's Health and Genetics/Laboratory Corporation of America, LabCorp
Classification: Likely benign. Last evaluated: 2026-01-23. Review status: criteria provided, single submitter. Criteria: LabCorp Variant Classification Summary - May 2015. Collection method: clinical testing. Allele origin: germline.

NM_015274.3(MAN2B2):c.1804A>G (p.Ile602Val)

Gene: MAN2B2 (mannosidase alpha class 2B member 2; plus strand). Cytogenetic location: 4p16.1.
Variant type: single nucleotide variant.
Coding change: c.1804A>G on transcript NM_015274.3 (MANE Select); coding-DNA position 1804, A replaced by G.
Protein change: p.Ile602Val; replaces isoleucine 602 with valine.
Molecular consequence: missense variant.
Genome position (GRCh38, 1-based): chr4:6,605,319, A>G. VCF-style: chr4-6605319-A-G. GRCh37 (hg19) VCF-style: chr4-6607046-A-G.
Other names: c.1651A>G, p.Ile551Val (NM_001292038.2); short protein forms I551V, I602V.
Identifiers: ClinVar variation 2654627 (VCV002654627.25), dbSNP rs144650979, ClinGen allele CA2841056.